The following is an entry in ClinVar:

ClinVar aggregate classification (germline): Benign/Likely benign. Review status: criteria provided, multiple submitters, no conflicts (2 of 4 stars). 2 submissions from 2 submitters: Benign (1); Likely benign (1). Last evaluated 2025-02-19.

Conditions:
Hereditary cancer-predisposing syndrome. Also called: Neoplastic Syndromes, Hereditary; Tumor predisposition; Hereditary Cancer Syndrome; Hereditary neoplastic syndrome. Identifiers: Orphanet 140162, MedGen C0027672, MeSH D009386, MONDO:0015356.
Breast-ovarian cancer, familial, susceptibility to, 3. Also called: RAD51C-Related Breast/Ovarian Cancer. Identifiers: Orphanet 145, MedGen C3150659, MONDO:0013253, OMIM 613399.

Submissions (2):

Myriad Genetics, Inc.
Classification: Benign for Breast-ovarian cancer, familial, susceptibility to, 3. Last evaluated: 2025-02-19. Review status: criteria provided, single submitter. Criteria: Myriad Autosomal Dominant, Autosomal Recessive and X-Linked Classification Criteria (2023). Collection method: clinical testing. Allele origin: unknown.
Comment: This variant is considered benign. This variant is a silent/synonymous amino acid change and it is not expected to impact splicing.

Ambry Genetics
Classification: Likely benign for Hereditary cancer-predisposing syndrome. Last evaluated: 2024-12-02. Review status: criteria provided, single submitter. Criteria: Ambry Variant Classification Scheme 2023. Collection method: clinical testing. Allele origin: germline.

NM_058216.3(RAD51C):c.712C>T (p.Leu238=)

Gene: RAD51C (RAD51 paralog C; plus strand). Cytogenetic location: 17q22.
Variant type: single nucleotide variant.
Coding change: c.712C>T on transcript NM_058216.3 (MANE Select); coding-DNA position 712, C replaced by T.
Protein change: p.Leu238=; no amino-acid change (leucine 238 retained).
Molecular consequence: synonymous variant. On other transcripts: non-coding transcript variant (1).
Genome position (GRCh38, 1-based): chr17:58,709,865, C>T. VCF-style: chr17-58709865-C-T. GRCh37 (hg19) VCF-style: chr17-56787226-C-T.
Identifiers: ClinVar variation 3429726 (VCV003429726.2).